The following is an entry in ClinVar:

ClinVar aggregate classification (germline): Pathogenic (1 of 4 stars; one submission).

Conditions:
Methylmalonic acidemia with homocystinuria, type cblJ (MAHCJ). Also called: METHYLMALONIC ACIDURIA AND HOMOCYSTINURIA, cblJ TYPE. Identifiers: Orphanet 369955, MedGen C3553915, MONDO:0013925, OMIM 614857.

Submission:

Labcorp Genetics (formerly Invitae), Labcorp
Classification: Pathogenic for Methylmalonic acidemia with homocystinuria, type cblJ. Last evaluated: 2025-12-13. Review status: criteria provided, single submitter. Criteria: Invitae Variant Classification Sherloc (09022015). Collection method: clinical testing. Allele origin: germline.
Comment: This sequence change creates a premature translational stop signal (p.Leu44Argfs*6) in the ABCD4 gene. It is expected to result in an absent or disrupted protein product. Loss-of-function variants in ABCD4 are known to be pathogenic (PMID: 22922874). This variant is not present in population databases (gnomAD no frequency). This variant has not been reported in the literature in individuals affected with ABCD4-related conditions. For these reasons, this variant has been classified as Pathogenic.

Literature cited by the submitters: PubMed 22922874.

NM_005050.4(ABCD4):c.131del (p.Leu44fs)

Gene: ABCD4 (ATP binding cassette subfamily D member 4; minus strand). Cytogenetic location: 14q24.3.
Variant type: Deletion.
Coding change: c.131del on transcript NM_005050.4 (MANE Select); coding-DNA position 131, one base deleted (T; older notation c.131delT).
Protein change: p.Leu44fs; shifts the reading frame from leucine 44.
Molecular consequence: frameshift variant. On other transcripts: 5 prime UTR variant (16), non-coding transcript variant (8), intron variant (4).
Genome position (GRCh38, 1-based): chr14:74,300,176, A deleted on the plus strand (T on the coding strand, the reverse complement: ABCD4 is on the minus strand). VCF-style (leftmost placement, unchanged base first): chr14-74300175-CA-C. GRCh37 (hg19) VCF-style: chr14-74766878-CA-C.
Other names: c.131del, p.Leu44fs (NM_001353591.2, NM_001353592.2, NM_001440752.1 and 3 more transcripts); c.-279del (NM_001353595.2); c.-151del (NM_001353596.2, NM_001353597.2); c.-207del (NM_001353599.2, NM_020324.3); c.-219del (NM_001353600.2); c.-79del (NM_001353601.2, NM_001440755.1); c.-559del (NM_001353602.2); c.-436del (NM_001353603.2, NM_001353606.2); and 6 more; short protein forms L44fs.
Identifiers: ClinVar variation 4733104 (VCV004733104.1).
Genomic context (GRCh38, chr14:74,300,175, plus strand): 5'-CCCCTCCCTCCTCTAGTCTGGGCTCACTCACTCACCCAGTAGGGTCAGGCACAAAAGGGT[CA>C]GGAACATCAAGGCATTTTGTGATGACCAAGAAGGAAACAAAACCTTCAGTATCTGCAGGA-3'